The following is an entry in ClinVar:

ClinVar aggregate classification (germline): Conflicting classifications of pathogenicity. Review status: criteria provided, conflicting classifications (1 of 4 stars). 4 submissions from 4 submitters: Uncertain significance (1); Benign (1); Likely benign (1). 1 of the submissions does not count toward it. Last evaluated 2025-04-19.

Conditions:
Inborn genetic diseases. Identifiers: MedGen C0950123, MeSH D030342.
RP1L1-related disorder. Also called: RP1L1-related condition.
Occult macular dystrophy (OCMD). Also called: OCCULT MACULAR DYSTROPHY, SUSCEPTIBILITY TO; OMD. Identifiers: Orphanet 247834, MedGen C3150833, MONDO:0013316, OMIM 613587, HP:0030636.

Allele frequency attached by ClinVar (database versions not stated): gnomAD exomes 0.00012 and 0.00029; ExAC 0.00030; 1000 Genomes Project 30x 0.00078; 1000 Genomes Project 0.00080; gnomAD 0.00116 and 0.00125; ESP Exome Variant Server 0.00128; TOPMed 0.00140.
gnomAD v4.1: 356 of 1,612,790 alleles (0.022%); highest among the groups gnomAD compares: African/African-American, 0.42%; 1 homozygote.

Submissions (4):

Ambry Genetics
Classification: Uncertain significance for Inborn genetic diseases. Last evaluated: 2025-04-19. Review status: criteria provided, single submitter. Criteria: Ambry Variant Classification Scheme 2023. Collection method: clinical testing. Allele origin: germline.

Blueprint Genetics
Classification: Likely benign. Last evaluated: 2024-11-22. Review status: criteria provided, single submitter. Criteria: ACMG Guidelines, 2015. Collection method: clinical testing. Allele origin: germline.

Illumina Laboratory Services, Illumina
Classification: Benign for Occult macular dystrophy. Last evaluated: 2018-01-13. Review status: criteria provided, single submitter. Criteria: ICSL Variant Classification Criteria 13 December 2019. Collection method: clinical testing. Allele origin: germline.
Comment: This variant was observed in the ICSL laboratory as part of a predisposition screen in an ostensibly healthy population. It had not been previously curated by ICSL or reported in the Human Gene Mutation Database (HGMD: prior to June 1st, 2018), and was therefore a candidate for classification through an automated scoring system. Utilizing variant allele frequency, disease prevalence and penetrance estimates, and inheritance mode, an automated score was calculated to assess if this variant is too frequent to cause the disease. Based on the score and internal cut-off values, a variant classified as benign is not then subjected to further curation. The score for this variant resulted in a classification of benign for this disease.

PreventionGenetics, part of Exact Sciences
Classification: Benign for RP1L1-related condition. Last evaluated: 2024-08-16. Review status: no assertion criteria provided. Collection method: clinical testing. Allele origin: germline. Not counted in ClinVar's aggregate classification.
Comment: This variant is classified as benign based on ACMG/AMP sequence variant interpretation guidelines (Richards et al. 2015 PMID: 25741868, with internal and published modifications).

NM_178857.6(RP1L1):c.3067G>C (p.Glu1023Gln)

Gene: RP1L1 (RP1 like 1). Cytogenetic location: 8p23.1.
Variant type: single nucleotide variant.
Coding change: c.3067G>C on transcript NM_178857.6 (MANE Select); coding-DNA position 3067, G replaced by C.
Protein change: p.Glu1023Gln; replaces glutamic acid 1023 with glutamine.
Molecular consequence: missense variant.
Genome position (GRCh38, 1-based): chr8:10,611,031, C>G on the plus strand (G>C on the coding strand, the complement: RP1L1 is on the minus strand). VCF-style: chr8-10611031-C-G. GRCh37 (hg19) VCF-style: chr8-10468541-C-G.
Other names: short protein forms E1023Q.
Identifiers: ClinVar variation 908484 (VCV000908484.10), dbSNP rs201996553, ClinGen allele CA4624607.